The following is an entry in ClinVar:

NM_015447.4(CAMSAP1):c.3587G>T (p.Ser1196Ile)

Gene: CAMSAP1 (calmodulin regulated spectrin associated protein 1; minus strand). Cytogenetic location: 9q34.3.
Variant type: single nucleotide variant.
Coding change: c.3587G>T on transcript NM_015447.4 (MANE Select); coding-DNA position 3587, G replaced by T.
Protein change: p.Ser1196Ile; replaces serine 1196 with isoleucine.
Molecular consequence: missense variant.
Genome position (GRCh38, 1-based): chr9:135,821,074, C>A on the plus strand (G>T on the coding strand, the complement: CAMSAP1 is on the minus strand). VCF-style: chr9-135821074-C-A. GRCh37 (hg19) VCF-style: chr9-138712920-C-A.
Other names: c.2753G>T, p.Ser918Ile (NM_001411031.1); short protein forms S1196I, S918I.
Identifiers: ClinVar variation 2581779 (VCV002581779.1), dbSNP rs749987622, ClinGen allele CA375501768.
Genomic context (GRCh38, chr9:135,821,074, plus strand): 5'-GAGACATCTGAGGAGCTGGACCCCACCTCCTTCACACTCGCATCCAGAACTTCTTTGAGG[C>A]TCATCTGCTCCGAAAGAATGTTGGCATCTTTGGAAGAGGACAGAGTAAGTGTCCGCTGAT-3'
Protein context (NP_056262.3, residues 1186-1206): KDANILSEQM[Ser1196Ile]LKEVLDASVK

ClinVar aggregate classification (germline): Uncertain significance (1 of 4 stars; one submission).

Submission:

GeneDx
Classification: Uncertain significance. Last evaluated: 2022-07-27. Review status: criteria provided, single submitter. Criteria: GeneDx Variant Classification Process June 2021. Collection method: clinical testing. Allele origin: germline. Affected: yes.
Comment: Variants in candidate genes are classified as variants of uncertain significance in accordance with ACMG guidelines (Richards et al., 2015); Not observed at significant frequency in large population cohorts (gnomAD); In silico analysis supports that this missense variant has a deleterious effect on protein structure/function; Has not been previously published as pathogenic or benign to our knowledge